The following is an entry in ClinVar:

ClinVar aggregate classification (germline): Likely pathogenic (1 of 4 stars; one submission).

Conditions:
Biotin-responsive basal ganglia disease (BTBGD). Also called: thiamine-responsive encephalopathy; Thiamine metabolism dysfunction syndrome 2 (biotin- or thiamine-responsive encephalopathy type 2); Thiamine Transporter-2 Deficiency; Thiamine metabolism dysfunction syndrome type 2; THIAMINE METABOLISM DYSFUNCTION SYNDROME 2 (BIOTIN- AND THIAMINE-RESPONSIVE TYPE). Identifiers: Orphanet 199348, Orphanet 65284, MedGen C1843807, MONDO:0011841, OMIM 607483.

Submission:

Diagnostics Services (NGS), CSIR - Centre For Cellular And Molecular Biology
Classification: Likely pathogenic for Biotin-responsive basal ganglia disease. Last evaluated: 2025-10-30. Review status: criteria provided, single submitter. Criteria: ACMG Guidelines, 2015. Collection method: clinical testing. Allele origin: germline. Affected: yes. Observed: 1 variant allele, 1 homozygote.
Comment: The c.449C>T variant is not present in publicly available population databases like 1000 Genomes, EVS, gnomAD, Indian Exome Database or our internal database. This variant has been previously observed in compound heterozygous state in two individuals affected with Leigh syndrome [PMID: 32020600] and reported to the Human Genome Mutation Database (HGMD ID: CM203706). In-silico pathogenicity prediction programs like Polyphen-2, MutationTaster2021, CADD, predicted this variant to be likely deleterious however these predictions were not confirmed by published functional studies. This variant has been classified as Likely Pathogenic followingthe PM2, PM5, PP3, PP4 criteria of ACMG guidelines.

Literature cited by the submitters: PubMed 32020600; PubMed 32034746.

NM_025243.4(SLC19A3):c.449C>T (p.Ala150Val)

Gene: SLC19A3 (solute carrier family 19 member 3; minus strand). Cytogenetic location: 2q36.3.
Variant type: single nucleotide variant.
Coding change: c.449C>T on transcript NM_025243.4 (MANE Select); coding-DNA position 449, C replaced by T.
Protein change: p.Ala150Val; replaces alanine 150 with valine.
Molecular consequence: missense variant.
Genome position (GRCh38, 1-based): chr2:227,699,266, G>A on the plus strand (C>T on the coding strand, the complement: SLC19A3 is on the minus strand). VCF-style: chr2-227699266-G-A. GRCh37 (hg19) VCF-style: chr2-228563982-G-A.
Other names: c.449C>T, p.Ala150Val (NM_001371411.1, NM_001371412.1); c.437C>T, p.Ala146Val (NM_001371413.1, NM_001371414.1); short protein forms A146V, A150V.
Identifiers: ClinVar variation 4533290 (VCV004533290.1).